The following is an entry in ClinVar:

ClinVar aggregate classification (germline): Uncertain significance (1 of 4 stars; one submission).

Submission:

Women's Health and Genetics/Laboratory Corporation of America, LabCorp
Classification: Uncertain significance. Last evaluated: 2020-12-07. Review status: criteria provided, single submitter. Criteria: LabCorp Variant Classification Summary - May 2015. Collection method: clinical testing. Allele origin: germline.
Comment: Variant summary: MYH7 c.5654C>G (p.Ala1885Gly) results in a non-conservative amino acid change located in the Myosin tail domain (IPR002928) of the encoded protein sequence. Five of five in-silico tools predict a damaging effect of the variant on protein function. The variant alters a conserved nucleotide located close to a canonical splice site and therefore could affect mRNA splicing, leading to a significantly altered protein sequence.4/4 computational tools predict no significant impact on normal splicing. However, these predictions have yet to be confirmed by functional studies. The variant was absent in 251438 control chromosomes (gnomAD). The available data on variant occurrences in the general population are insufficient to allow any conclusion about variant significance. To our knowledge, no occurrence of c.5654C>G in individuals affected with Cardiomyopathy and no experimental evidence demonstrating its impact on protein function have been reported. No clinical diagnostic laboratories have submitted clinical-significance assessments for this variant to ClinVar after 2014. Based on the evidence outlined above, the variant was classified as uncertain significance.

NM_000257.4(MYH7):c.5654C>G (p.Ala1885Gly)

Gene: MYH7 (myosin heavy chain 7; minus strand). Cytogenetic location: 14q11.2.
Variant type: single nucleotide variant.
Coding change: c.5654C>G on transcript NM_000257.4 (MANE Select); coding-DNA position 5654, C replaced by G.
Protein change: p.Ala1885Gly; replaces alanine 1885 with glycine.
Molecular consequence: missense variant.
Genome position (GRCh38, 1-based): chr14:23,414,008, G>C on the plus strand (C>G on the coding strand, the complement: MYH7 is on the minus strand). VCF-style: chr14-23414008-G-C. GRCh37 (hg19) VCF-style: chr14-23883217-G-C.
Other names: short protein forms A1885G.
Identifiers: ClinVar variation 992205 (VCV000992205.1), dbSNP rs1892080169, ClinGen allele CA389034772.